The following is an entry in ClinVar:

ClinVar aggregate classification (germline): Uncertain significance (1 of 4 stars; one submission).

Conditions:
Charcot-Marie-Tooth disease type 4. Also called: Charcot-Marie-Tooth disease, type IV; Charcot-Marie-Tooth, Type 4. Identifiers: Orphanet 64749, MedGen C4082197, MONDO:0018995.

Submission:

Labcorp Genetics (formerly Invitae), Labcorp
Classification: Uncertain significance for Charcot-Marie-Tooth disease type 4. Last evaluated: 2022-08-16. Review status: criteria provided, single submitter. Criteria: Invitae Variant Classification Sherloc (09022015). Collection method: clinical testing. Allele origin: germline.
Comment: This sequence change replaces cysteine, which is neutral and slightly polar, with glycine, which is neutral and non-polar, at codon 57 of the SH3TC2 protein (p.Cys57Gly). This variant is not present in population databases (gnomAD no frequency). This variant has not been reported in the literature in individuals affected with SH3TC2-related conditions. Advanced modeling of protein sequence and biophysical properties (such as structural, functional, and spatial information, amino acid conservation, physicochemical variation, residue mobility, and thermodynamic stability) performed at Invitae indicates that this missense variant is not expected to disrupt SH3TC2 protein function. In summary, the available evidence is currently insufficient to determine the role of this variant in disease. Therefore, it has been classified as a Variant of Uncertain Significance.

NM_024577.4(SH3TC2):c.169T>G (p.Cys57Gly)

Gene: SH3TC2 (SH3 domain and tetratricopeptide repeats 2; minus strand). Cytogenetic location: 5q32.
Variant type: single nucleotide variant.
Coding change: c.169T>G on transcript NM_024577.4 (MANE Select); coding-DNA position 169, T replaced by G.
Protein change: p.Cys57Gly; replaces cysteine 57 with glycine.
Molecular consequence: missense variant.
Genome position (GRCh38, 1-based): chr5:149,047,972, A>C on the plus strand (T>G on the coding strand, the complement: SH3TC2 is on the minus strand). VCF-style: chr5-149047972-A-C. GRCh37 (hg19) VCF-style: chr5-148427535-A-C.
Other names: short protein forms C57G.
Identifiers: ClinVar variation 2047941 (VCV002047941.4), dbSNP rs2531800275, ClinGen allele CA361679411.